The following is an entry in ClinVar:

NM_000016.6(ACADM):c.683C>T (p.Thr228Ile)

Gene: ACADM (acyl-CoA dehydrogenase medium chain; plus strand). Cytogenetic location: 1p31.1.
Variant type: single nucleotide variant.
Coding change: c.683C>T on transcript NM_000016.6 (MANE Select); coding-DNA position 683, C replaced by T.
Protein change: p.Thr228Ile; replaces threonine 228 with isoleucine.
Molecular consequence: missense variant.
Genome position (GRCh38, 1-based): chr1:75,745,889, C>T. VCF-style: chr1-75745889-C-T. GRCh37 (hg19) VCF-style: chr1-76211574-C-T.
Other names: c.683C>T (NM_000016.5); c.695C>T, p.Thr232Ile (NM_001127328.3); c.575C>T, p.Thr192Ile (NM_001286042.2); c.782C>T, p.Thr261Ile (NM_001286043.2); c.116C>T, p.Thr39Ile (NM_001286044.2); short protein forms T228I, T39I, T232I, T192I, T261I.
Identifiers: ClinVar variation 1518981 (VCV001518981.7), dbSNP rs149678400, ClinGen allele CA913174.

ClinVar aggregate classification (germline): Conflicting classifications of pathogenicity. Review status: criteria provided, conflicting classifications (1 of 4 stars). 3 submissions from 3 submitters: Likely pathogenic (1); Uncertain significance (2). Last evaluated 2025-12-15.

Conditions:
Medium-chain acyl-coenzyme A dehydrogenase deficiency (ACADMD). Also called: MCAD Deficiency; ACADM DEFICIENCY; Medium chain acyl-CoA dehydrogenase deficiency; MCADD; CARNITINE DEFICIENCY SECONDARY TO MEDIUM-CHAIN ACYL-CoA DEHYDROGENASE DEFICIENCY; MCADH DEFICIENCY. Identifiers: Orphanet 42, MedGen C0220710, MONDO:0008721, OMIM 201450.

gnomAD v4.1: 5 of 1,612,412 alleles (0.00031%); highest among the groups gnomAD compares: African/African-American, 0.0013%; no homozygotes.

Submissions (3):

Myriad Genetics, Inc.
Classification: Uncertain significance for Medium-chain acyl-coenzyme A dehydrogenase deficiency. Last evaluated: 2025-12-15. Review status: criteria provided, single submitter. Criteria: Myriad Autosomal Dominant, Autosomal Recessive and X-Linked Classification Criteria (2023). Collection method: clinical testing. Allele origin: unknown.
Comment: NM_000016.4(ACADM):c.683C>T(T228I) is a missense variant classified as a variant of uncertain significance in the context of medium-chain acyl-CoA dehydrogenase deficiency. T228I has not been observed in cases with relevant disease. Relevant functional assessments of this variant are not available in the literature. T228I has been observed in referenced population frequency databases. In summary, there is insufficient evidence to classify NM_000016.4(ACADM):c.683C>T(T228I) as pathogenic or benign. Please note: this variant was assessed in the context of healthy population screening.

Labcorp Genetics (formerly Invitae), Labcorp
Classification: Likely pathogenic for Medium-chain acyl-coenzyme A dehydrogenase deficiency. Last evaluated: 2025-10-02. Review status: criteria provided, single submitter. Criteria: Invitae Variant Classification Sherloc (09022015). Collection method: clinical testing. Allele origin: germline.
Comment: This sequence change replaces threonine, which is neutral and polar, with isoleucine, which is neutral and non-polar, at codon 228 of the ACADM protein (p.Thr228Ile). This variant is present in population databases (rs149678400, gnomAD 0.004%). This variant has not been reported in the literature in individuals affected with ACADM-related conditions. ClinVar contains an entry for this variant (Variation ID: 1518981). Invitae Evidence Modeling of protein sequence and biophysical properties (such as structural, functional, and spatial information, amino acid conservation, physicochemical variation, residue mobility, and thermodynamic stability) indicates that this missense variant is not expected to disrupt ACADM protein function with a negative predictive value of 80%. This variant disrupts the p.Thr228 amino acid residue in ACADM. Other variant(s) that disrupt this residue have been determined to be pathogenic (PMID: 15171998, 20434380, 23842438; internal data). This suggests that this residue is clinically significant, and that variants that disrupt this residue are likely to be disease-causing. In summary, the currently available evidence indicates that the variant is pathogenic, but additional data are needed to prove that conclusively. Therefore, this variant has been classified as Likely Pathogenic.

Women's Health and Genetics/Laboratory Corporation of America, LabCorp
Classification: Uncertain significance. Last evaluated: 2023-03-27. Review status: criteria provided, single submitter. Criteria: LabCorp Variant Classification Summary - May 2015. Collection method: clinical testing. Allele origin: germline.
Comment: Variant summary: ACADM c.683C>T (p.Thr228Ile) results in a non-conservative amino acid change located in the Acyl-CoA oxidase/dehydrogenase, middle domain (IPR006091) of the encoded protein sequence. Four of five in-silico tools predict a damaging effect of the variant on protein function. The variant allele was found at a frequency of 4e-06 in 251280 control chromosomes (gnomAD). The available data on variant occurrences in the general population are insufficient to allow any conclusion about variant significance. To our knowledge, no occurrence of c.683C>T in individuals affected with Medium Chain Acyl-CoA Dehydrogenase Deficiency and no experimental evidence demonstrating its impact on protein function have been reported. One clinical diagnostic laboratory has submitted clinical-significance assessments for this variant to ClinVar after 2014 and classified the variant as pathogenic. Based on the evidence outlined above, the variant was classified as uncertain significance.

Literature cited by the submitters: PubMed 15171998 (cited by Labcorp Genetics (formerly Invitae), Labcorp); PubMed 20434380 (cited by Labcorp Genetics (formerly Invitae), Labcorp); PubMed 23842438 (cited by Labcorp Genetics (formerly Invitae), Labcorp).